The following is an entry in ClinVar:

ClinVar aggregate classification (germline): Uncertain significance. Review status: criteria provided, multiple submitters, no conflicts (2 of 4 stars). 3 submissions from 3 submitters: Uncertain significance (3). Last evaluated 2024-04-20.

Conditions:
Hereditary cancer-predisposing syndrome. Also called: Tumor predisposition; Hereditary neoplastic syndrome; Neoplastic Syndromes, Hereditary; Hereditary Cancer Syndrome. Identifiers: Orphanet 140162, MedGen C0027672, MeSH D009386, MONDO:0015356.
Neuroblastoma, susceptibility to, 2. Identifiers: Orphanet 635, MedGen C2751682, MONDO:0700041, OMIM 613013.
Haddad syndrome (OHD). Also called: Ondine-Hirschsprung disease. Identifiers: Orphanet 99803, MedGen C1859049, MONDO:0020493.

Allele frequency attached by ClinVar (database versions not stated): gnomAD exomes below 0.00001.
gnomAD v4.1: 2 of 1,613,866 alleles (0.00012%); highest among the groups gnomAD compares: Non-Finnish European, 0.00017%; no homozygotes.

Submissions (3):

Ambry Genetics
Classification: Uncertain significance for Hereditary cancer-predisposing syndrome. Last evaluated: 2024-04-20. Review status: criteria provided, single submitter. Criteria: Ambry Variant Classification Scheme 2023. Collection method: clinical testing. Allele origin: germline.
Comment: The p.A167T variant (also known as c.499G>A), located in coding exon 3 of the PHOX2B gene, results from a G to A substitution at nucleotide position 499. The alanine at codon 167 is replaced by threonine, an amino acid with similar properties. This amino acid position is conserved. In addition, the in silico prediction for this alteration is inconclusive. Based on the available evidence, the clinical significance of this variant remains unclear.

Labcorp Genetics (formerly Invitae), Labcorp
Classification: Uncertain significance for Haddad syndrome. Last evaluated: 2024-03-06. Review status: criteria provided, single submitter. Criteria: Invitae Variant Classification Sherloc (09022015). Collection method: clinical testing. Allele origin: germline.
Comment: This sequence change replaces alanine, which is neutral and non-polar, with threonine, which is neutral and polar, at codon 167 of the PHOX2B protein (p.Ala167Thr). This variant is present in population databases (no rsID available, gnomAD 0.0009%). This variant has not been reported in the literature in individuals affected with PHOX2B-related conditions. ClinVar contains an entry for this variant (Variation ID: 959613). Advanced modeling of protein sequence and biophysical properties (such as structural, functional, and spatial information, amino acid conservation, physicochemical variation, residue mobility, and thermodynamic stability) performed at Invitae indicates that this missense variant is not expected to disrupt PHOX2B protein function with a negative predictive value of 80%. In summary, the available evidence is currently insufficient to determine the role of this variant in disease. Therefore, it has been classified as a Variant of Uncertain Significance.

Baylor Genetics
Classification: Uncertain significance for Neuroblastoma, susceptibility to, 2. Last evaluated: 2023-07-28. Review status: criteria provided, single submitter. Criteria: ACMG Guidelines, 2015. Collection method: clinical testing. Allele origin: unknown.

NM_003924.4(PHOX2B):c.499G>A (p.Ala167Thr)

Gene: PHOX2B (paired like homeobox 2B; minus strand). Cytogenetic location: 4p13.
Variant type: single nucleotide variant.
Coding change: c.499G>A on transcript NM_003924.4 (MANE Select); coding-DNA position 499, G replaced by A.
Protein change: p.Ala167Thr; replaces alanine 167 with threonine.
Molecular consequence: missense variant.
Genome position (GRCh38, 1-based): chr4:41,746,253, C>T on the plus strand (G>A on the coding strand, the complement: PHOX2B is on the minus strand). VCF-style: chr4-41746253-C-T. GRCh37 (hg19) VCF-style: chr4-41748270-C-T.
Other names: short protein forms A167T.
Identifiers: ClinVar variation 959613 (VCV000959613.11), dbSNP rs1338837491, ClinGen allele CA356738504.